The following is an entry in ClinVar:

ClinVar aggregate classification (germline): Uncertain significance (1 of 4 stars; one submission).

Conditions:
Intellectual developmental disorder, X-linked, with panhypopituitarism. Also called: Intellectual disability, X-linked, with panhypopituitarism. Identifiers: MedGen C2678223, MONDO:0010252, OMIM 300123.

Submission:

Victorian Clinical Genetics Services, Murdoch Childrens Research Institute
Classification: Uncertain significance for Intellectual developmental disorder, X-linked, with panhypopituitarism. Last evaluated: 2019-08-28. Review status: criteria provided, single submitter. Criteria: ACMG Guidelines, 2015. Collection method: clinical testing. Allele origin: germline. Inheritance: X-linked inheritance. Affected: yes.
Comment: A hemizygous missense variant was identified, NM_005634.2(SOX3):c.253A>C in exon 1 of 1 of the SOX3 gene. This substitution is predicted to create a minor amino acid change from lysine to glutamine at position 85 of the protein, NP_005625.2(SOX3):p.(Lys85Gln). The lysine at this position has very high conservation (100 vertebrates, UCSC), but is not situated in a known functional domain. In silico software predicts this variant to be pathogenic (Polyphen, SIFT, CADD, Mutation Taster). The variant is not present in the gnomAD population database and has not been previously reported in clinical cases. Based on information available at the time of curation, this variant has been classified as a VARIANT of UNCERTAIN SIGNIFICANCE (VUS).

NM_005634.3(SOX3):c.253A>C (p.Lys85Gln)

Genes: SOX3 (SRY-box transcription factor 3; minus strand), LOC108281134 (SOX3 promoter region; plus strand). Cytogenetic location: Xq27.1.
Variant type: single nucleotide variant.
Coding change: c.253A>C on transcript NM_005634.3 (MANE Select); coding-DNA position 253, A replaced by C.
Protein change: p.Lys85Gln; replaces lysine 85 with glutamine.
Molecular consequence: missense variant.
Genome position (GRCh38, 1-based): chrX:140,504,808, T>G on the plus strand (A>C on the coding strand, the complement: SOX3 is on the minus strand). VCF-style: chrX-140504808-T-G. GRCh37 (hg19) VCF-style: chrX-139586973-T-G.
Other names: short protein forms K85Q.
Identifiers: ClinVar variation 1805522 (VCV001805522.2), dbSNP rs1927346741, ClinGen allele CA414479171.